The following is an entry in ClinVar:

NM_015335.5(MED13L):c.4076G>A (p.Trp1359Ter)

Gene: MED13L (mediator complex subunit 13L; minus strand). Cytogenetic location: 12q24.21.
Variant type: single nucleotide variant.
Coding change: c.4076G>A on transcript NM_015335.5 (MANE Select); coding-DNA position 4076, G replaced by A.
Protein change: p.Trp1359Ter; replaces tryptophan 1359 with a stop codon.
Molecular consequence: nonsense.
Genome position (GRCh38, 1-based): chr12:115,987,147, C>T on the plus strand (G>A on the coding strand, the complement: MED13L is on the minus strand). VCF-style: chr12-115987147-C-T. GRCh37 (hg19) VCF-style: chr12-116424952-C-T.
Other names: short protein forms W1359*.
Identifiers: ClinVar variation 817519 (VCV000817519.4), dbSNP rs1592919048, ClinGen allele CA386885232.

ClinVar aggregate classification (germline): Pathogenic. Review status: criteria provided, single submitter (1 of 4 stars). 2 submissions from 2 submitters: Pathogenic (1). 1 of the submissions does not count toward it. Last evaluated 2019-01-22.

Conditions:
Autism spectrum disorder. Also called: Autism spectrum disorders. Identifiers: MedGen C1510586, MeSH D000067877, MONDO:0005258.
Cardiac anomalies - developmental delay - facial dysmorphism syndrome (MRFACD). Also called: Impaired intellectual development and distinctive facial features with or without cardiac defects; MED13L Syndrome. Identifiers: Orphanet 369891, MedGen C5192431, MONDO:0014773, OMIM 616789.

Submissions (2):

GeneDx
Classification: Pathogenic. Last evaluated: 2019-01-22. Review status: criteria provided, single submitter. Criteria: GeneDx Variant Classification (06012015). Collection method: clinical testing. Allele origin: germline. Affected: yes.
Comment: The W1359X nonsense variant in the MED13L gene has been reported previously as a de novo change in association with autism spectrum disorder (Wang et al., 2016; Isossifov et al., 2014). This pathogenic variant is predicted to cause loss of normal protein function either through protein truncation or nonsense-mediated mRNA decay. This variant is not observed in large population cohorts (Lek., 2016). Therefore the W1359X is a pathogenic variant.

University of Washington Center for Mendelian Genomics, University of Washington
Classification: Likely pathogenic for Autism spectrum disorder. Review status: no assertion criteria provided. Collection method: research. Allele origin: de novo. Affected: yes. Not counted in ClinVar's aggregate classification.

Literature cited by the submitters: PubMed 30504930 (cited by University of Washington Center for Mendelian Genomics, University of Washington).